The following is an entry in ClinVar:

NM_004369.4(COL6A3):c.4662C>T (p.Asp1554=)

Gene: COL6A3 (collagen type VI alpha 3 chain; minus strand). Cytogenetic location: 2q37.3.
Variant type: single nucleotide variant.
Coding change: c.4662C>T on transcript NM_004369.4 (MANE Select); coding-DNA position 4662, C replaced by T.
Protein change: p.Asp1554=; no amino-acid change (aspartic acid 1554 retained).
Molecular consequence: synonymous variant.
Genome position (GRCh38, 1-based): chr2:237,368,801, G>A on the plus strand (C>T on the coding strand, the complement: COL6A3 is on the minus strand). VCF-style: chr2-237368801-G-A. GRCh37 (hg19) VCF-style: chr2-238277444-G-A.
Other names: c.2841C>T, p.Asp947= (NM_057166.5); c.4044C>T, p.Asp1348= (NM_057167.4).
Identifiers: ClinVar variation 282135 (VCV000282135.32), dbSNP rs764225803, ClinGen allele CA2188848.

ClinVar aggregate classification (germline): Conflicting classifications of pathogenicity. Review status: criteria provided, conflicting classifications (1 of 4 stars). 3 submissions from 3 submitters: Uncertain significance (1); Likely benign (2). Last evaluated 2026-01-05.

Conditions:
Bethlem myopathy 1A. Also called: Bethlem myopathy 1; MYOPATHY, BENIGN CONGENITAL, WITH CONTRACTURES; Bethlem Muscular Dystrophy. Identifiers: Orphanet 610, MedGen CN029274, MONDO:0024530, OMIM 158810.

Allele frequency attached by ClinVar (database versions not stated): ExAC 0.00003; gnomAD exomes 0.00003 and 0.00005; TOPMed 0.00004; gnomAD 0.00005 and 0.00006.
gnomAD v4.1: 83 of 1,614,022 alleles (0.0051%); highest among the groups gnomAD compares: East Asian, 0.013%; no homozygotes.

Submissions (3):

Labcorp Genetics (formerly Invitae), Labcorp
Classification: Likely benign for Bethlem myopathy 1A. Last evaluated: 2026-01-05. Review status: criteria provided, single submitter. Criteria: Invitae Variant Classification Sherloc (09022015). Collection method: clinical testing. Allele origin: germline.

CeGaT Center for Human Genetics Tuebingen
Classification: Likely benign. Last evaluated: 2024-05-01. Review status: criteria provided, single submitter. Criteria: CeGaT Center For Human Genetics Tuebingen Variant Classification Criteria Version 2. Collection method: clinical testing. Allele origin: germline. Affected: yes. Observed: 1 variant allele.
Comment: COL6A3: BP4, BP7

Eurofins Ntd Llc (ga)
Classification: Uncertain significance. Last evaluated: 2015-07-21. Review status: criteria provided, single submitter. Criteria: EGL Classification Definitions 2015. Collection method: clinical testing. Allele origin: germline. Observed: 3 variant alleles, 3 heterozygotes.